The following is an entry in ClinVar:

NM_181458.4(PAX3):c.142G>A (p.Gly48Ser)

Gene: PAX3 (paired box 3; minus strand). Cytogenetic location: 2q36.1.
Variant type: single nucleotide variant.
Coding change: c.142G>A on transcript NM_181458.4 (MANE Select); coding-DNA position 142, G replaced by A.
Protein change: p.Gly48Ser; replaces glycine 48 with serine.
Molecular consequence: missense variant.
Genome position (GRCh38, 1-based): chr2:222,297,157, C>T on the plus strand (G>A on the coding strand, the complement: PAX3 is on the minus strand). VCF-style: chr2-222297157-C-T. GRCh37 (hg19) VCF-style: chr2-223161876-C-T.
Other names: c.142G>A, p.Gly48Ser (NM_000438.6, NM_001127366.3, NM_013942.5 and 4 more transcripts); short protein forms G48S.
Identifiers: ClinVar variation 2577203 (VCV002577203.3), dbSNP rs1419548558, ClinGen allele CA351113734.

ClinVar aggregate classification (germline): Uncertain significance. Review status: criteria provided, multiple submitters, no conflicts (2 of 4 stars). 2 submissions from 2 submitters: Uncertain significance (2). Last evaluated 2024-12-29.

Submissions (2):

Labcorp Genetics (formerly Invitae), Labcorp
Classification: Uncertain significance. Last evaluated: 2024-12-29. Review status: criteria provided, single submitter. Criteria: Invitae Variant Classification Sherloc (09022015). Collection method: clinical testing. Allele origin: germline.
Comment: This sequence change replaces glycine, which is neutral and non-polar, with serine, which is neutral and polar, at codon 48 of the PAX3 protein (p.Gly48Ser). This variant is not present in population databases (gnomAD no frequency). This variant has not been reported in the literature in individuals affected with PAX3-related conditions. ClinVar contains an entry for this variant (Variation ID: 2577203). Invitae Evidence Modeling of protein sequence and biophysical properties (such as structural, functional, and spatial information, amino acid conservation, physicochemical variation, residue mobility, and thermodynamic stability) indicates that this missense variant is expected to disrupt PAX3 protein function with a positive predictive value of 80%. This variant disrupts the p.Gly48 amino acid residue in PAX3. Other variant(s) that disrupt this residue have been determined to be pathogenic (PMID: 8845842, 29407415). This suggests that this residue is clinically significant, and that variants that disrupt this residue are likely to be disease-causing. In summary, the available evidence is currently insufficient to determine the role of this variant in disease. Therefore, it has been classified as a Variant of Uncertain Significance.

Women's Health and Genetics/Laboratory Corporation of America, LabCorp
Classification: Uncertain significance. Last evaluated: 2023-07-25. Review status: criteria provided, single submitter. Criteria: LabCorp Variant Classification Summary - May 2015. Collection method: clinical testing. Allele origin: germline.
Comment: Variant summary: PAX3 c.142G>A (p.Gly48Ser) results in a non-conservative amino acid change located in the Paired domain (IPR001523) of the encoded protein sequence. Five of five in-silico tools predict a damaging effect of the variant on protein function. The variant was absent in 228472 control chromosomes. The available data on variant occurrences in the general population are insufficient to allow any conclusion about variant significance. Other missense variants in the same residue (p.Gly48Arg and p.Gly48Cys) have been associated with pathogenicity in ClinVar, however the evidence for this variant is insufficient to determine a role in disease. To our knowledge, no occurrence of c.142G>A in individuals affected with Waardenburg Syndrome Type 1 and no experimental evidence demonstrating its impact on protein function have been reported. No submitters have cited clinical-significance assessments for this variant to ClinVar after 2014. Based on the evidence outlined above, the variant was classified as uncertain significance.

Literature cited by the submitters: PubMed 8845842 (cited by Labcorp Genetics (formerly Invitae), Labcorp); PubMed 29407415 (cited by Labcorp Genetics (formerly Invitae), Labcorp).